The following is an entry in ClinVar:

ClinVar aggregate classification (germline): Uncertain significance (1 of 4 stars; one submission).

Allele frequency attached by ClinVar (database versions not stated): gnomAD exomes below 0.00001.

Submission:

Labcorp Genetics (formerly Invitae), Labcorp
Classification: Uncertain significance. Last evaluated: 2022-09-01. Review status: criteria provided, single submitter. Criteria: Invitae Variant Classification Sherloc (09022015). Collection method: clinical testing. Allele origin: germline.
Comment: In summary, the available evidence is currently insufficient to determine the role of this variant in disease. Therefore, it has been classified as a Variant of Uncertain Significance. Algorithms developed to predict the effect of missense changes on protein structure and function (SIFT, PolyPhen-2, Align-GVGD) all suggest that this variant is likely to be tolerated. ClinVar contains an entry for this variant (Variation ID: 1387631). This variant has not been reported in the literature in individuals affected with MLC1-related conditions. This variant is not present in population databases (gnomAD no frequency). This sequence change replaces glycine, which is neutral and non-polar, with aspartic acid, which is acidic and polar, at codon 317 of the MLC1 protein (p.Gly317Asp).

NM_015166.4(MLC1):c.950G>A (p.Gly317Asp)

Gene: MLC1 (modulator of VRAC current 1; minus strand). Cytogenetic location: 22q13.33.
Variant type: single nucleotide variant.
Coding change: c.950G>A on transcript NM_015166.4 (MANE Select); coding-DNA position 950, G replaced by A.
Protein change: p.Gly317Asp; replaces glycine 317 with aspartic acid.
Molecular consequence: missense variant. On other transcripts: non-coding transcript variant (3).
Genome position (GRCh38, 1-based): chr22:50,064,143, C>T on the plus strand (G>A on the coding strand, the complement: MLC1 is on the minus strand). VCF-style: chr22-50064143-C-T. GRCh37 (hg19) VCF-style: chr22-50502572-C-T.
Other names: c.950G>A, p.Gly317Asp (NM_001376473.1, NM_001376474.1, NM_001376475.1 and 5 more transcripts); c.893G>A, p.Gly298Asp (NM_001376479.1); c.860G>A, p.Gly287Asp (NM_001376480.1); c.848G>A, p.Gly283Asp (NM_001376481.1); c.794G>A, p.Gly265Asp (NM_001376482.1, NM_001376483.1); c.713G>A, p.Gly238Asp (NM_001376484.1); short protein forms G317D, G238D, G265D, G283D, G287D, G298D.
Identifiers: ClinVar variation 1387631 (VCV001387631.6), dbSNP rs1397825083, ClinGen allele CA412106087.
Genomic context (GRCh38, chr22:50,064,143, plus strand): 5'-CCCTGCAGCCTTGCACTGACCTTGAAGCGCACGCACTGGATGGCGGTGCCCGTGTTGAGG[C>T]CGGCCTGCAGCAGGAGCACTAGCAGCAGCAGCAGCAGCAGCACATCGTAGGATGGCTGCA-3'
Protein context (NP_055981.1, residues 307-327): LLLLVLLLQA[Gly317Asp]LNTGTAIQCV